The following is an entry in ClinVar:

ClinVar aggregate classification (germline): Uncertain significance (1 of 4 stars; one submission).

Conditions:
Inborn genetic diseases. Identifiers: MedGen C0950123, MeSH D030342.

Submission:

Ambry Genetics
Classification: Uncertain significance for Inborn genetic diseases. Last evaluated: 2024-03-05. Review status: criteria provided, single submitter. Criteria: Ambry Variant Classification Scheme 2023. Collection method: clinical testing. Allele origin: germline.
Comment: Resulting transcript is predicted to be in-frame and is not expected to trigger nonsense-mediated mRNA decay Based on insufficient or conflicting evidence, the clinical significance of this alteration remains unclear.

NM_000817.3(GAD1):c.1263+1G>A

Gene: GAD1 (glutamate decarboxylase 1; plus strand). Cytogenetic location: 2q31.1.
Variant type: single nucleotide variant.
Coding change: c.1263+1G>A on transcript NM_000817.3 (MANE Select); the canonical splice donor site of the intron after coding-DNA position 1263, G replaced by A.
Molecular consequence: splice donor variant.
Genome position (GRCh38, 1-based): chr2:170,852,793, G>A. VCF-style: chr2-170852793-G-A. GRCh37 (hg19) VCF-style: chr2-171709303-G-A.
Identifiers: ClinVar variation 2265946 (VCV002265946.2), dbSNP rs2468365002, ClinGen allele CA349265380.
Genomic context (GRCh38, chr2:170,852,793, plus strand): 5'-AACCCTCACAAGATGATGGGCGTGCTGTTGCAGTGCTCTGCCATTCTCGTCAAGGAAAAG[G>A]TCTGTACTCCCTCCAAAGCTACACTGGGGCCCGTACGTTCTTTAGAAAGCACAAAAAGAC-3'